The following is an entry in ClinVar:

NM_020207.7(ERCC6L2):c.33A>T (p.Glu11Asp)

Gene: ERCC6L2 (ERCC excision repair 6 like 2; plus strand). Cytogenetic location: 9q22.32.
Variant type: single nucleotide variant.
Coding change: c.33A>T on transcript NM_020207.7 (MANE Select); coding-DNA position 33, A replaced by T.
Protein change: p.Glu11Asp; replaces glutamic acid 11 with aspartic acid.
Molecular consequence: missense variant. On other transcripts: non-coding transcript variant (1).
Genome position (GRCh38, 1-based): chr9:95,876,071, A>T. VCF-style: chr9-95876071-A-T. GRCh37 (hg19) VCF-style: chr9-98638353-A-T.
Other names: c.33A>T, p.Glu11Asp (NM_001010895.4, NM_001375291.1, NM_001375292.1 and 2 more transcripts); short protein forms E11D.
Identifiers: ClinVar variation 3845829 (VCV003845829.1).

ClinVar aggregate classification (germline): Uncertain significance (1 of 4 stars; one submission).

Conditions:
Inborn genetic diseases. Identifiers: MedGen C0950123, MeSH D030342.

Submission:

Ambry Genetics
Classification: Uncertain significance for Inborn genetic diseases. Last evaluated: 2024-12-25. Review status: criteria provided, single submitter. Criteria: Ambry Variant Classification Scheme 2023. Collection method: clinical testing. Allele origin: germline.
Comment: The p.E11D variant (also known as c.33A>T), located in coding exon 1 of the ERCC6L2 gene, results from an A to T substitution at nucleotide position 33. The glutamic acid at codon 11 is replaced by aspartic acid, an amino acid with highly similar properties. This amino acid position is conserved. In addition, this alteration is predicted to be tolerated by in silico analysis. Based on the available evidence, the clinical significance of this variant remains unclear.